The following is an entry in ClinVar:

NM_006876.3(B4GAT1):c.1176C>T (p.His392=)

Gene: B4GAT1 (beta-1,4-glucuronyltransferase 1; minus strand). Cytogenetic location: 11q13.2.
Variant type: single nucleotide variant.
Coding change: c.1176C>T on transcript NM_006876.3 (MANE Select); coding-DNA position 1176, C replaced by T.
Protein change: p.His392=; no amino-acid change (histidine 392 retained).
Molecular consequence: synonymous variant.
Genome position (GRCh38, 1-based): chr11:66,346,121, G>A on the plus strand (C>T on the coding strand, the complement: B4GAT1 is on the minus strand). VCF-style: chr11-66346121-G-A. GRCh37 (hg19) VCF-style: chr11-66113592-G-A.
Identifiers: ClinVar variation 779773 (VCV000779773.9), dbSNP rs375281337, ClinGen allele CA224043117.

ClinVar aggregate classification (germline): Likely benign. Review status: criteria provided, multiple submitters, no conflicts (2 of 4 stars). 2 submissions from 2 submitters: Likely benign (2). Last evaluated 2025-07-07.

Conditions:
B4GAT1-related disorder. Also called: B4GAT1-related condition.
Muscular dystrophy-dystroglycanopathy (congenital with brain and eye anomalies), type A13. Also called: WALKER-WARBURG SYNDROME OR MUSCLE-EYE-BRAIN DISEASE, B3GNT1-RELATED; Muscular dystrophy-dystroglycanopathy (congenital with brain and eye anomalies), type a, 13. Identifiers: Orphanet 899, MedGen C3809042, MONDO:0014120, OMIM 615287.

Allele frequency attached by ClinVar (database versions not stated): gnomAD below 0.00001 and 0.00001.

Submissions (2):

Labcorp Genetics (formerly Invitae), Labcorp
Classification: Likely benign for Muscular dystrophy-dystroglycanopathy (congenital with brain and eye anomalies), type A13. Last evaluated: 2025-07-07. Review status: criteria provided, single submitter. Criteria: Invitae Variant Classification Sherloc (09022015). Collection method: clinical testing. Allele origin: germline.

PreventionGenetics, part of Exact Sciences
Classification: Likely benign for B4GAT1-related condition. Last evaluated: 2025-03-31. Review status: criteria provided, single submitter. Criteria: ACMG Guidelines, 2015. Collection method: clinical testing. Allele origin: germline.
Comment: This variant is classified as likely benign based on ACMG/AMP sequence variant interpretation guidelines (Richards et al. 2015 PMID: 25741868, with internal and published modifications).